The following is an entry in ClinVar:

NM_138773.4(SLC25A46):c.579A>T (p.Lys193Asn)

Gene: SLC25A46 (solute carrier family 25 member 46; plus strand). Cytogenetic location: 5q22.1.
Variant type: single nucleotide variant.
Coding change: c.579A>T on transcript NM_138773.4 (MANE Select); coding-DNA position 579, A replaced by T.
Protein change: p.Lys193Asn; replaces lysine 193 with asparagine.
Molecular consequence: missense variant. On other transcripts: non-coding transcript variant (1).
Genome position (GRCh38, 1-based): chr5:110,755,480, A>T. VCF-style: chr5-110755480-A-T. GRCh37 (hg19) VCF-style: chr5-110091180-A-T.
Other names: c.579A>T, p.Lys193Asn (NM_001303249.3); c.306A>T, p.Lys102Asn (NM_001303250.3); short protein forms K102N, K193N.
Identifiers: ClinVar variation 661801 (VCV000661801.11), dbSNP rs1580866176, ClinGen allele CA360695522.
Genomic context (GRCh38, chr5:110,755,480, plus strand): 5'-AATAACATGGCTTTTGTTTTATTTAAGTTTATTTTTATGTTTTAGGGAGGTTTTACATAA[A>T]TGGAGTCCTAAACAAATAGGAGAACACCTTCTACTGAAATCGTAAGTATCAAAAAATGGC-3'
Protein context (NP_620128.1, residues 183-203): FTPLPREVLH[Lys193Asn]WSPKQIGEHL

ClinVar aggregate classification (germline): Uncertain significance (1 of 4 stars; one submission).

Conditions:
Neuropathy, hereditary motor and sensory, type 6B (HMSN6B). Also called: Neuropathy, hereditary motor and sensory, type VIB; HMSN VIB; CHARCOT-MARIE-TOOTH DISEASE, TYPE 6B; NEUROPATHY, HEREDITARY MOTOR AND SENSORY, TYPE VIB, WITH OPTIC ATROPHY. Identifiers: MedGen C4225302, MONDO:0014671, OMIM 616505.

Submission:

Labcorp Genetics (formerly Invitae), Labcorp
Classification: Uncertain significance for Neuropathy, hereditary motor and sensory, type 6B. Last evaluated: 2019-06-28. Review status: criteria provided, single submitter. Criteria: Invitae Variant Classification Sherloc (09022015). Collection method: clinical testing. Allele origin: germline.
Comment: Algorithms developed to predict the effect of missense changes on protein structure and function (SIFT, PolyPhen-2, Align-GVGD) all suggest that this variant is likely to be tolerated, but these predictions have not been confirmed by published functional studies and their clinical significance is uncertain. In summary, the available evidence is currently insufficient to determine the role of this variant in disease. Therefore, it has been classified as a Variant of Uncertain Significance. This variant has not been reported in the literature in individuals with SLC25A46-related disease. This sequence change replaces lysine with asparagine at codon 193 of the SLC25A46 protein (p.Lys193Asn). The lysine residue is moderately conserved and there is a moderate physicochemical difference between lysine and asparagine. This variant is not present in population databases (ExAC no frequency).